The following is an entry in ClinVar:

ClinVar aggregate classification (germline): Likely pathogenic. Review status: criteria provided, single submitter (1 of 4 stars). 2 submissions from 2 submitters: Likely pathogenic (1). 1 of the submissions does not count toward it. Last evaluated 2023-12-10.

Conditions:
Nemaline myopathy 2 (NEM2). Also called: Nemaline myopathy 2, autosomal recessive. Identifiers: MedGen C1850569, MONDO:0009725, OMIM 256030.

Submissions (2):

Kariminejad - Najmabadi Pathology & Genetics Center
Classification: Likely pathogenic for Nemaline myopathy 2. Last evaluated: 2023-12-10. Review status: criteria provided, single submitter. Criteria: ACMG Guidelines, 2015. Collection method: clinical testing. Allele origin: germline. Inheritance: Autosomal recessive inheritance. Affected: yes.
Comment: PVS1 PM2 PP5

Counsyl
Classification: Likely pathogenic for Nemaline myopathy 2. Last evaluated: 2017-10-17. Review status: no assertion criteria provided. Collection method: clinical testing. Allele origin: unknown. Not counted in ClinVar's aggregate classification.

NM_001164508.2(NEB):c.24277_24280dup (p.Asn8094fs)

Genes: NEB (nebulin; minus strand), RIF1 (replication timing regulatory factor 1; plus strand). Cytogenetic location: 2q23.3.
Variant type: Microsatellite.
Coding change: c.24277_24280dup on transcript NM_001164508.2 (MANE Select); coding-DNA positions 24277 to 24280, 4 bases duplicated (CACA; older notation c.24277_24280dupCACA).
Protein change: p.Asn8094fs; shifts the reading frame from asparagine 8094.
Molecular consequence: frameshift variant. On other transcripts: intron variant (1).
Genome position (GRCh38, 1-based): chr2:151,497,646-151,497,649, TGTG duplicated on the plus strand (CACA on the coding strand, the reverse complement: NEB is on the minus strand); duplicating any 4 consecutive bases within chr2:151,497,646-151,497,650 gives the same sequence; the c. name uses the placement nearest the transcript's 3' end. VCF-style (leftmost placement, unchanged base first): chr2-151497645-T-TTGTG. GRCh37 (hg19) VCF-style: chr2-152354159-T-TTGTG.
Other names: c.24277_24280dup, p.Asn8094fs (NM_001164507.2); c.24382_24385dup, p.Asn8129fs (NM_001271208.2); c.18826-1281CA[4] (NM_004543.5); short protein forms N8129fs, N8094fs.
Identifiers: ClinVar variation 554396 (VCV000554396.3), dbSNP rs1553551650, ClinGen allele CA658821204.